The following is an entry in ClinVar:

NM_016188.5(ACTL6B):c.7G>C (p.Gly3Arg)

Gene: ACTL6B (actin like 6B; minus strand). Cytogenetic location: 7q22.1.
Variant type: single nucleotide variant.
Coding change: c.7G>C on transcript NM_016188.5 (MANE Select); coding-DNA position 7, G replaced by C.
Protein change: p.Gly3Arg; replaces glycine 3 with arginine.
Molecular consequence: missense variant. On other transcripts: non-coding transcript variant (1).
Genome position (GRCh38, 1-based): chr7:100,656,348, C>G on the plus strand (G>C on the coding strand, the complement: ACTL6B is on the minus strand). VCF-style: chr7-100656348-C-G. GRCh37 (hg19) VCF-style: chr7-100253971-C-G.
Other names: short protein forms G3R.
Identifiers: ClinVar variation 4539983 (VCV004539983.2).

ClinVar aggregate classification (germline): Uncertain significance (1 of 4 stars; one submission).

Submission:

GeneDx
Classification: Uncertain significance. Last evaluated: 2026-07-27. Review status: criteria provided, single submitter. Criteria: GeneDx Variant Classification Process June 2021. Collection method: clinical testing. Allele origin: germline.
Comment: Not observed at significant frequency in large population cohorts (gnomAD); In silico analysis supports that this missense variant has a deleterious effect on protein structure/function; Has not been previously published as pathogenic or benign to our knowledge